The following is an entry in ClinVar:

NM_015213.4(DENND5A):c.3068A>T (p.Lys1023Ile)

Gene: DENND5A (DENN domain containing 5A; minus strand). Cytogenetic location: 11p15.4.
Variant type: single nucleotide variant.
Coding change: c.3068A>T on transcript NM_015213.4 (MANE Select); coding-DNA position 3068, A replaced by T.
Protein change: p.Lys1023Ile; replaces lysine 1023 with isoleucine.
Molecular consequence: missense variant. On other transcripts: non-coding transcript variant (1).
Genome position (GRCh38, 1-based): chr11:9,145,049, T>A on the plus strand (A>T on the coding strand, the complement: DENND5A is on the minus strand). VCF-style: chr11-9145049-T-A. GRCh37 (hg19) VCF-style: chr11-9166596-T-A.
Other names: c.3068A>T, p.Lys1023Ile (NM_001243254.2); c.2996A>T, p.Lys999Ile (NM_001348749.2); c.2780A>T, p.Lys927Ile (NM_001348750.2); short protein forms K927I, K1023I, K999I.
Identifiers: ClinVar variation 1031884 (VCV001031884.1), dbSNP rs372389104, ClinGen allele CA379601873.

ClinVar aggregate classification (germline): Uncertain significance (1 of 4 stars; one submission).

Conditions:
Developmental and epileptic encephalopathy, 49 (DEE49). Also called: Epileptic encephalopathy, early infantile, 49. Identifiers: MedGen C4310635, MONDO:0015002, OMIM 617281.

Submission:

Baylor Genetics
Classification: Uncertain significance for Developmental and epileptic encephalopathy, 49. Last evaluated: 2018-06-26. Review status: criteria provided, single submitter. Criteria: ACMG Guidelines, 2015. Collection method: clinical testing. Allele origin: paternal. Affected: yes.
Comment: This variant was determined to be of uncertain significance according to ACMG Guidelines, 2015 [PMID:25741868].